The following is an entry in ClinVar:

NM_138420.4(AHNAK2):c.8310C>G (p.Pro2770=)

Gene: AHNAK2 (AHNAK nucleoprotein 2; minus strand). Cytogenetic location: 14q32.33.
Variant type: single nucleotide variant.
Coding change: c.8310C>G on transcript NM_138420.4 (MANE Select); coding-DNA position 8310, C replaced by G.
Protein change: p.Pro2770=; no amino-acid change (proline 2770 retained).
Molecular consequence: synonymous variant.
Genome position (GRCh38, 1-based): chr14:104,947,141, G>C on the plus strand (C>G on the coding strand, the complement: AHNAK2 is on the minus strand). VCF-style: chr14-104947141-G-C. GRCh37 (hg19) VCF-style: chr14-105413478-G-C.
Other names: c.8010C>G, p.Pro2670= (NM_001350929.2).
Identifiers: ClinVar variation 2644706 (VCV002644706.24), dbSNP rs747103855, ClinGen allele CA7380160.

ClinVar aggregate classification (germline): Likely benign (1 of 4 stars; one submission).

Allele frequency attached by ClinVar (database versions not stated): TOPMed 0.00003.
gnomAD v4.1: 16 of 1,611,732 alleles (0.00099%); highest among the groups gnomAD compares: East Asian, 0.0022%; 1 homozygote.

Submission:

CeGaT Center for Human Genetics Tuebingen
Classification: Likely benign. Last evaluated: 2022-12-01. Review status: criteria provided, single submitter. Criteria: CeGaT Center For Human Genetics Tuebingen Variant Classification Criteria Version 2. Collection method: clinical testing. Allele origin: germline. Affected: yes. Observed: 1 variant allele.
Comment: AHNAK2: BP4, BP7